The following is an entry in ClinVar:

NM_001258392.3(CLPB):c.1632G>A (p.Ser544=)

Gene: CLPB (ClpB family mitochondrial disaggregase; minus strand). Cytogenetic location: 11q13.4.
Variant type: single nucleotide variant.
Coding change: c.1632G>A on transcript NM_001258392.3 (MANE Select); coding-DNA position 1632, G replaced by A.
Protein change: p.Ser544=; no amino-acid change (serine 544 retained).
Molecular consequence: synonymous variant.
Genome position (GRCh38, 1-based): chr11:72,294,373, C>T on the plus strand (G>A on the coding strand, the complement: CLPB is on the minus strand). VCF-style: chr11-72294373-C-T. GRCh37 (hg19) VCF-style: chr11-72005417-C-T.
Other names: c.1545G>A, p.Ser515= (NM_001258393.3); c.1587G>A, p.Ser529= (NM_001258394.3); c.1722G>A, p.Ser574= (NM_030813.6).
Identifiers: ClinVar variation 1927212 (VCV001927212.5), dbSNP rs2539318077, ClinGen allele CA475605974.
Genomic context (GRCh38, chr11:72,294,373, plus strand): 5'-GTTCCCTCTTACTCTCTTGGCCCAGAAGTTTAGTTCCTTGTTGACGAGTTGGATGAGCTC[C>T]GAGTGGCAGAAGGGGAGGAAGTAGACGATCTCATTGATCCGTCCCAGAAACTCATCCCTC-3'
Protein context (NP_001245321.1, residues 534-554): EIVYFLPFCH[Ser544=]ELIQLVNKEL

ClinVar aggregate classification (germline): Uncertain significance (1 of 4 stars; one submission).

Conditions:
3-methylglutaconic aciduria, type VIIB (MGCA7B). Also called: CLPB Deficiency; 3-methylglutaconic aciduria with cataracts, neurologic involvement and neutropenia; 3-methylglutaconic aciduria, type VII, with cataracts, neurologic involvement and neutropenia. Identifiers: Orphanet 445038, MedGen C5676893, MONDO:0014561, OMIM 616271.

Allele frequency attached by ClinVar (database versions not stated): gnomAD exomes below 0.00001.
gnomAD v4.1: 6 of 1,614,216 alleles (0.00037%); highest among the groups gnomAD compares: South Asian, 0.0011%; no homozygotes.

Submission:

Labcorp Genetics (formerly Invitae), Labcorp
Classification: Uncertain significance for 3-methylglutaconic aciduria, type VIIB. Last evaluated: 2023-08-27. Review status: criteria provided, single submitter. Criteria: Invitae Variant Classification Sherloc (09022015). Collection method: clinical testing. Allele origin: germline.
Comment: This variant has not been reported in the literature in individuals affected with CLPB-related conditions. ClinVar contains an entry for this variant (Variation ID: 1927212). Algorithms developed to predict the effect of sequence changes on RNA splicing suggest that this variant may create or strengthen a splice site. In summary, the available evidence is currently insufficient to determine the role of this variant in disease. Therefore, it has been classified as a Variant of Uncertain Significance. This variant is not present in population databases (gnomAD no frequency). This sequence change affects codon 574 of the CLPB mRNA. It is a 'silent' change, meaning that it does not change the encoded amino acid sequence of the CLPB protein.